The following is an entry in ClinVar:

ClinVar aggregate classification (germline): Uncertain significance (1 of 4 stars; one submission).

Conditions:
Arrhythmogenic right ventricular dysplasia 12. Also called: ARRHYTHMOGENIC RIGHT VENTRICULAR DYSPLASIA, FAMILIAL, 12. Identifiers: MedGen C1969081, MONDO:0012684, OMIM 611528.
Naxos disease (NXD). Also called: CARDIOMYOPATHY, ARRHYTHMOGENIC RIGHT VENTRICULAR, WITH SKIN, HAIR, AND NAIL ABNORMALITIES; KERATOSIS PALMOPLANTARIS WITH ARRHYTHMOGENIC CARDIOMYOPATHY; MAL DE NAXOS; PALMOPLANTAR KERATODERMA WITH ARRHYTHMOGENIC RIGHT VENTRICULAR CARDIOMYOPATHY AND WOOLLY HAIR; WOOLLY HAIR, PALMOPLANTAR KERATODERMA, AND CARDIAC ABNORMALITIES. Identifiers: Orphanet 34217, MedGen C1832600, MONDO:0011017, OMIM 601214.

gnomAD v4.1: 1 of 1,614,216 alleles (0.000062%); highest among the groups gnomAD compares: Non-Finnish European, 0.000085%; no homozygotes.

Submission:

Labcorp Genetics (formerly Invitae), Labcorp
Classification: Uncertain significance for Arrhythmogenic right ventricular dysplasia 12; Naxos disease. Last evaluated: 2025-12-15. Review status: criteria provided, single submitter. Criteria: Invitae Variant Classification Sherloc (09022015). Collection method: clinical testing. Allele origin: germline.
Comment: This sequence change replaces leucine, which is neutral and non-polar, with valine, which is neutral and non-polar, at codon 649 of the JUP protein (p.Leu649Val). This variant is not present in population databases (gnomAD no frequency). This variant has not been reported in the literature in individuals affected with JUP-related conditions. An algorithm developed to predict the effect of missense changes on protein structure and function (PolyPhen-2) suggests that this variant is likely to be disruptive. In summary, the available evidence is currently insufficient to determine the role of this variant in disease. Therefore, it has been classified as a Variant of Uncertain Significance.

NM_002230.4(JUP):c.1945C>G (p.Leu649Val)

Gene: JUP (junction plakoglobin; minus strand). Cytogenetic location: 17q21.2.
Variant type: single nucleotide variant.
Coding change: c.1945C>G on transcript NM_002230.4 (MANE Select); coding-DNA position 1945, C replaced by G.
Protein change: p.Leu649Val; replaces leucine 649 with valine.
Molecular consequence: missense variant.
Genome position (GRCh38, 1-based): chr17:41,757,516, G>C on the plus strand (C>G on the coding strand, the complement: JUP is on the minus strand). VCF-style: chr17-41757516-G-C. GRCh37 (hg19) VCF-style: chr17-39913768-G-C.
Other names: c.1945C>G, p.Leu649Val (NM_001352773.2, NM_001352774.2, NM_001352775.2 and 3 more transcripts); short protein forms L649V.
Identifiers: ClinVar variation 4792757 (VCV004792757.1).
Genomic context (GRCh38, chr17:41,757,516, plus strand): 5'-TGAGCTCCACGGACACGCGCTTCCGGTAGTCTGGGTTCTTGTCCTCGGAGATGCGGAACA[G>C]GACGGCAGCAGCGTAGGTGGCTGAGCAGAGAGGAAAGGAAAAGCCAGGTTAAACGTCGGC-3'
Protein context (NP_002221.1, residues 639-659): EGTATYAAAV[Leu649Val]FRISEDKNPD